The following is an entry in ClinVar:

NM_000901.5(NR3C2):c.2871C>T (p.Pro957=)

Gene: NR3C2 (nuclear receptor subfamily 3 group C member 2; minus strand). Cytogenetic location: 4q31.23.
Variant type: single nucleotide variant.
Coding change: c.2871C>T on transcript NM_000901.5 (MANE Select); coding-DNA position 2871, C replaced by T.
Protein change: p.Pro957=; no amino-acid change (proline 957 retained).
Molecular consequence: synonymous variant. On other transcripts: non-coding transcript variant (1).
Genome position (GRCh38, 1-based): chr4:148,081,428, G>A on the plus strand (C>T on the coding strand, the complement: NR3C2 is on the minus strand). VCF-style: chr4-148081428-G-A. GRCh37 (hg19) VCF-style: chr4-149002579-G-A.
Other names: c.2520C>T, p.Pro840= (NM_001166104.2, NM_001354819.1).
Identifiers: ClinVar variation 899613 (VCV000899613.7), dbSNP rs535338611, ClinGen allele CA3100008.

ClinVar aggregate classification (germline): Likely benign. Review status: criteria provided, multiple submitters, no conflicts (2 of 4 stars). 2 submissions from 2 submitters: Likely benign (2). Last evaluated 2023-06-24.

Conditions:
Autosomal dominant pseudohypoaldosteronism type 1. Also called: Pseudohypoaldosteronism, Type I, Dominant; Pseudohypoaldosteronism, Type I, Autosomal Dominant; PHA I, AUTOSOMAL DOMINANT. Identifiers: Orphanet 171871, Orphanet 756, MedGen C1449842, MONDO:0008329, OMIM 177735.

Allele frequency attached by ClinVar (database versions not stated): gnomAD 0.00004 and 0.00005; ExAC 0.00008; TOPMed 0.00008; gnomAD exomes 0.00009.
gnomAD v4.1: 165 of 1,613,982 alleles (0.01%); highest among the groups gnomAD compares: Middle Eastern, 0.33%; no homozygotes.

Submissions (2):

Labcorp Genetics (formerly Invitae), Labcorp
Classification: Likely benign. Last evaluated: 2023-06-24. Review status: criteria provided, single submitter. Criteria: Invitae Variant Classification Sherloc (09022015). Collection method: clinical testing. Allele origin: germline.

Illumina Laboratory Services, Illumina
Classification: Likely benign for Autosomal dominant pseudohypoaldosteronism type 1. Last evaluated: 2018-01-12. Review status: criteria provided, single submitter. Criteria: ICSL Variant Classification Criteria 13 December 2019. Collection method: clinical testing. Allele origin: germline.
Comment: This variant was observed in the ICSL laboratory as part of a predisposition screen in an ostensibly healthy population. It had not been previously curated by ICSL or reported in the Human Gene Mutation Database (HGMD: prior to June 1st, 2018), and was therefore a candidate for classification through an automated scoring system. Utilizing variant allele frequency, disease prevalence and penetrance estimates, and inheritance mode, an automated score was calculated to assess if this variant is too frequent to cause the disease. Based on the score and internal cut-off values, a variant classified as likely benign is not then subjected to further curation. The score for this variant resulted in a classification of likely benign for this disease.